The following is an entry in ClinVar:

NM_007375.4(TARDBP):c.1098C>T (p.Ala366=)

Gene: TARDBP (TAR DNA binding protein; plus strand). Cytogenetic location: 1p36.22.
Variant type: single nucleotide variant.
Coding change: c.1098C>T on transcript NM_007375.4 (MANE Select); coding-DNA position 1098, C replaced by T.
Protein change: p.Ala366=; no amino-acid change (alanine 366 retained).
Molecular consequence: synonymous variant.
Genome position (GRCh38, 1-based): chr1:11,022,507, C>T. VCF-style: chr1-11022507-C-T. GRCh37 (hg19) VCF-style: chr1-11082564-C-T.
Identifiers: ClinVar variation 4793691 (VCV004793691.2).
Genomic context (GRCh38, chr1:11,022,507, plus strand): 5'-GTCAGGCCCATCGGGTAATAACCAAAACCAAGGCAACATGCAGAGGGAGCCAAACCAGGC[C>T]TTCGGTTCTGGAAATAACTCTTATAGTGGCTCTAATTCTGGTGCAGCAATTGGTTGGGGA-3'
Protein context (NP_031401.1, residues 356-376): QGNMQREPNQ[Ala366=]FGSGNNSYSG

ClinVar aggregate classification (germline): Likely benign. Review status: criteria provided, multiple submitters, no conflicts (2 of 4 stars). 2 submissions from 2 submitters: Likely benign (2). Last evaluated 2026-07-01.

Conditions:
Amyotrophic lateral sclerosis type 10 (ALS10). Also called: AMYOTROPHIC LATERAL SCLEROSIS 10 WITHOUT FRONTOTEMPORAL DEMENTIA AND WITH TDP43 INCLUSIONS; AMYOTROPHIC LATERAL SCLEROSIS 10 WITH OR WITHOUT FRONTOTEMPORAL DEMENTIA AND WITH TDP43 INCLUSIONS; AMYOTROPHIC LATERAL SCLEROSIS 10 WITH OR WITHOUT FRONTOTEMPORAL DEMENTIA; Amyotrophic lateral sclerosis 10, with or without FTD; TARDBP-Related Amyotrophic Lateral Sclerosis-Frontotemporal Dementia. Identifiers: Orphanet 275872, Orphanet 803, MedGen C2677565, MONDO:0012790, OMIM 612069.
FRONTOTEMPORAL LOBAR DEGENERATION WITH TDP43 INCLUSIONS, TARDBP-RELATED. Also called: Frontotemporal lobar degeneration, TARDBP-related. Identifiers: MedGen C3150169, OMIM 612069.

gnomAD v4.1: 23 of 1,597,750 alleles (0.0014%); highest among the groups gnomAD compares: South Asian, 0.022%; no homozygotes.

Submissions (2):

CeGaT Center for Human Genetics Tuebingen
Classification: Likely benign. Last evaluated: 2026-07-01. Review status: criteria provided, single submitter. Criteria: CeGaT Center For Human Genetics Tuebingen Variant Classification Criteria Version 2. Collection method: clinical testing. Allele origin: germline. Affected: yes. Observed: 1 variant allele.
Comment: TARDBP: BP4, BP7

Labcorp Genetics (formerly Invitae), Labcorp
Classification: Likely benign for Amyotrophic lateral sclerosis type 10; FRONTOTEMPORAL LOBAR DEGENERATION WITH TDP43 INCLUSIONS, TARDBP-RELATED. Last evaluated: 2025-11-11. Review status: criteria provided, single submitter. Criteria: Invitae Variant Classification Sherloc (09022015). Collection method: clinical testing. Allele origin: germline.